The following is an entry in ClinVar:

NM_021098.3(CACNA1H):c.5040-3C>T

Gene: CACNA1H (calcium voltage-gated channel subunit alpha1 H; plus strand). Cytogenetic location: 16p13.3.
Variant type: single nucleotide variant.
Coding change: c.5040-3C>T on transcript NM_021098.3 (MANE Select); 3 bases into the intron before coding-DNA position 5040, C replaced by T.
Molecular consequence: intron variant.
Genome position (GRCh38, 1-based): chr16:1,215,239, C>T. VCF-style: chr16-1215239-C-T. GRCh37 (hg19) VCF-style: chr16-1265239-C-T.
Other names: c.5022-3C>T (NM_001005407.2).
Identifiers: ClinVar variation 1416331 (VCV001416331.7), dbSNP rs769178587, ClinGen allele CA7801775.

ClinVar aggregate classification (germline): Uncertain significance. Review status: criteria provided, multiple submitters, no conflicts (2 of 4 stars). 2 submissions from 2 submitters: Uncertain significance (2). Last evaluated 2024-02-19.

Conditions:
Hyperaldosteronism, familial, type IV (HALD4). Also called: FH IV; ALDOSTERONISM, PRIMARY, AND HYPERTENSION. Identifiers: Orphanet 642671, MedGen C4310756, MONDO:0014875, OMIM 617027.
Epilepsy, childhood absence, susceptibility to, 6. Identifiers: Orphanet 64280, MedGen C2749872, MONDO:0012763, OMIM 611942.
Idiopathic generalized epilepsy. Also called: Generalised epilepsy; EIG. Identifiers: MedGen C0270850, MONDO:0005579, OMIM 600669.

Allele frequency attached by ClinVar (database versions not stated): gnomAD exomes 0.00001 and 0.00003; ExAC 0.00003; gnomAD 0.00006 and 0.00008; TOPMed 0.00006.
gnomAD v4.1: 26 of 1,600,148 alleles (0.0016%); highest among the groups gnomAD compares: African/African-American, 0.016%; no homozygotes.

Submissions (2):

Labcorp Genetics (formerly Invitae), Labcorp
Classification: Uncertain significance for Idiopathic generalized epilepsy; Hyperaldosteronism, familial, type IV. Last evaluated: 2024-02-19. Review status: criteria provided, single submitter. Criteria: Invitae Variant Classification Sherloc (09022015). Collection method: clinical testing. Allele origin: germline.
Comment: This sequence change falls in intron 28 of the CACNA1H gene. It does not directly change the encoded amino acid sequence of the CACNA1H protein. It affects a nucleotide within the consensus splice site. This variant is present in population databases (rs769178587, gnomAD 0.02%). This variant has not been reported in the literature in individuals affected with CACNA1H-related conditions. ClinVar contains an entry for this variant (Variation ID: 1416331). Variants that disrupt the consensus splice site are a relatively common cause of aberrant splicing (PMID: 17576681, 9536098). Algorithms developed to predict the effect of sequence changes on RNA splicing suggest that this variant is not likely to affect RNA splicing. In summary, the available evidence is currently insufficient to determine the role of this variant in disease. Therefore, it has been classified as a Variant of Uncertain Significance.

Fulgent Genetics
Classification: Uncertain significance for Epilepsy, childhood absence, susceptibility to, 6; Hyperaldosteronism, familial, type IV. Last evaluated: 2022-04-13. Review status: criteria provided, single submitter. Criteria: ACMG Guidelines, 2015. Collection method: clinical testing. Allele origin: unknown.

Literature cited by the submitters: PubMed 17576681 (cited by Labcorp Genetics (formerly Invitae), Labcorp); PubMed 9536098 (cited by Labcorp Genetics (formerly Invitae), Labcorp).